The following is an entry in ClinVar:

NM_000512.5(GALNS):c.1502G>C (p.Cys501Ser)

Gene: GALNS (galactosamine (N-acetyl)-6-sulfatase; minus strand). Cytogenetic location: 16q24.3.
Variant type: single nucleotide variant.
Coding change: c.1502G>C on transcript NM_000512.5 (MANE Select); coding-DNA position 1502, G replaced by C.
Protein change: p.Cys501Ser; replaces cysteine 501 with serine.
Molecular consequence: missense variant.
Genome position (GRCh38, 1-based): chr16:88,814,506, C>G on the plus strand (G>C on the coding strand, the complement: GALNS is on the minus strand). VCF-style: chr16-88814506-C-G. GRCh37 (hg19) VCF-style: chr16-88880914-C-G.
Other names: c.947G>C, p.Cys316Ser (NM_001323543.2); c.1520G>C, p.Cys507Ser (NM_001323544.2); c.1502G>C (NM_000512.4); short protein forms C316S, C501S, C507S.
Identifiers: ClinVar variation 1048343 (VCV001048343.11), dbSNP rs948490589, ClinGen allele CA397092649.

ClinVar aggregate classification (germline): Conflicting classifications of pathogenicity. Review status: criteria provided, conflicting classifications (1 of 4 stars). 4 submissions from 4 submitters: Pathogenic (1); Likely pathogenic (1); Uncertain significance (2). Last evaluated 2022-09-30.

Conditions:
Mucopolysaccharidosis, MPS-IV-A (MPS4A). Also called: Mucopolysaccharidosis type IV A; Mucopolysaccharidosis Type IVA; Morquio syndrome A, mild; MORQUIO SYNDROME A; MPS IVA; mucopolysaccharidosis type 4A. Identifiers: Orphanet 309297, Orphanet 582, MedGen C0086651, MONDO:0009659, OMIM 253000.

Submissions (4):

Foundation for Research in Genetics and Endocrinology, FRIGE's Institute of Human Genetics
Classification: Likely pathogenic for Mucopolysaccharidosis, MPS-IV-A. Last evaluated: 2022-09-30. Review status: criteria provided, single submitter. Criteria: ACMG Guidelines, 2015. Collection method: clinical testing. Allele origin: germline. Inheritance: Autosomal recessive inheritance. Affected: yes. Observed: 1 homozygote.
Comment: The variant has shown a homozygous status for c.1502G>C (p.Cys501Ser) in exon 14 of the GALNS gene. This variant is not reported in 1000 genomes and gnomAD databases. The in-silico prediction of the variant is disease causing by LRT, Mutation Taster, SIFT and PROVEAN.

Laboratory of Diagnosis and Therapy of Lysosomal Disorders, University of Padova
Classification: Uncertain significance for Mucopolysaccharidosis, MPS-IV-A. Last evaluated: 2021-02-01. Review status: criteria provided, single submitter. Criteria: ACMG Guidelines, 2015. Collection method: curation. Allele origin: germline. Affected: yes.
Comment: In vivo functional studies supportive of a damaging effect on the gene product (low to null enzymatic activity in homozygotes; PS3_supporting); absent from gnomAD v2.1.1 (PM2_moderate); multiple lines of computational evidence support a deleterious effect on the gene (PP3_supporting)

Revvity Omics, Revvity
Classification: Uncertain significance for Mucopolysaccharidosis, MPS-IV-A. Last evaluated: 2019-02-08. Review status: criteria provided, single submitter. Criteria: ACMG Guidelines, 2015. Collection method: clinical testing. Allele origin: germline.

Neuberg Centre For Genomic Medicine, NCGM
Classification: Pathogenic for Mucopolysaccharidosis, MPS-IV-A. Review status: criteria provided, single submitter. Criteria: ACMG Guidelines, 2015. Collection method: clinical testing. Allele origin: germline. Inheritance: Autosomal recessive inheritance. Affected: yes.
Comment: The observed missense c.1502G>C(p.Cys501Ser) variant in GALNS gene has been reported previously in homozygous or compound heterozygous state in individual(s) affected with Mucopolysaccharidosis IV A (Bidchol et al., 2014). This variant is absent in gnomAD Exomes. This variant has been reported to the ClinVar database as Uncertain Significance / Likely Pathogenic. The amino acid Cys at position 501 is changed to a Ser changing protein sequence and it might alter its composition and physico-chemical properties. The amino acid change p.Cys501Ser in GALNS is predicted as conserved by GERP++ and PhyloP across 100 vertebrates. Multiple lines of computational evidence (Polyphen - Damaging, SIFT - Damaging, and MutationTaster - Disease causing) predict a damaging effect on protein structure and function for this variant. This mutation is present in protein structure disrupting hotspot region (Bidchol et al., 2014). For these reasons, this variant has been classified as Pathogenic.

Literature cited by the submitters: PubMed 25252036 (cited by Laboratory of Diagnosis and Therapy of Lysosomal Disorders, University of Padova); PubMed 34387910 (cited by Laboratory of Diagnosis and Therapy of Lysosomal Disorders, University of Padova).